The following is an entry in ClinVar:

NM_000782.5(CYP24A1):c.625A>G (p.Lys209Glu)

Gene: CYP24A1 (cytochrome P450 family 24 subfamily A member 1; minus strand). Cytogenetic location: 20q13.2.
Variant type: single nucleotide variant.
Coding change: c.625A>G on transcript NM_000782.5 (MANE Select); coding-DNA position 625, A replaced by G.
Protein change: p.Lys209Glu; replaces lysine 209 with glutamic acid.
Molecular consequence: missense variant.
Genome position (GRCh38, 1-based): chr20:54,169,607, T>C on the plus strand (A>G on the coding strand, the complement: CYP24A1 is on the minus strand). VCF-style: chr20-54169607-T-C. GRCh37 (hg19) VCF-style: chr20-52786146-T-C.
Other names: c.625A>G, p.Lys209Glu (NM_001128915.2, NM_001424340.1, NM_001424341.1 and 2 more transcripts); short protein forms K209E.
Identifiers: ClinVar variation 2652422 (VCV002652422.24), dbSNP rs2516390568, ClinGen allele CA409392368.

ClinVar aggregate classification (germline): Uncertain significance (1 of 4 stars; one submission).

Submission:

CeGaT Center for Human Genetics Tuebingen
Classification: Uncertain significance. Last evaluated: 2022-09-01. Review status: criteria provided, single submitter. Criteria: CeGaT Center For Human Genetics Tuebingen Variant Classification Criteria Version 2. Collection method: clinical testing. Allele origin: germline. Affected: yes. Observed: 1 variant allele.
Comment: CYP24A1: PM2